The following is an entry in ClinVar:

NM_004793.4(LONP1):c.1528C>G (p.Leu510Val)

Gene: LONP1 (lon peptidase 1, mitochondrial; minus strand). Cytogenetic location: 19p13.3.
Variant type: single nucleotide variant.
Coding change: c.1528C>G on transcript NM_004793.4 (MANE Select); coding-DNA position 1528, C replaced by G.
Protein change: p.Leu510Val; replaces leucine 510 with valine.
Molecular consequence: missense variant. On other transcripts: non-coding transcript variant (1).
Genome position (GRCh38, 1-based): chr19:5,699,184, G>C on the plus strand (C>G on the coding strand, the complement: LONP1 is on the minus strand). VCF-style: chr19-5699184-G-C. GRCh37 (hg19) VCF-style: chr19-5699195-G-C.
Other names: c.1336C>G, p.Leu446Val (NM_001276479.2); c.940C>G, p.Leu314Val (NM_001276480.1); short protein forms L510V, L314V, L446V.
Identifiers: ClinVar variation 1984225 (VCV001984225.4), dbSNP rs2054996999, ClinGen allele CA403531191.

ClinVar aggregate classification (germline): Uncertain significance (1 of 4 stars; one submission).

gnomAD v4.1: 2 of 1,510,470 alleles (0.00013%); highest among the groups gnomAD compares: Non-Finnish European, 0.000089%; no homozygotes.

Submission:

Labcorp Genetics (formerly Invitae), Labcorp
Classification: Uncertain significance. Last evaluated: 2025-11-10. Review status: criteria provided, single submitter. Criteria: Invitae Variant Classification Sherloc (09022015). Collection method: clinical testing. Allele origin: germline.
Comment: This sequence change replaces leucine, which is neutral and non-polar, with valine, which is neutral and non-polar, at codon 510 of the LONP1 protein (p.Leu510Val). This variant is not present in population databases (gnomAD no frequency). This variant has not been reported in the literature in individuals affected with LONP1-related conditions. ClinVar contains an entry for this variant (Variation ID: 1984225). Invitae Evidence Modeling of protein sequence and biophysical properties (such as structural, functional, and spatial information, amino acid conservation, physicochemical variation, residue mobility, and thermodynamic stability) has been performed for this missense variant. However, the output from this modeling did not meet the statistical confidence thresholds required to predict the impact of this variant on LONP1 protein function. In summary, the available evidence is currently insufficient to determine the role of this variant in disease. Therefore, it has been classified as a Variant of Uncertain Significance.